The following is an entry in ClinVar:

ClinVar aggregate classification (germline): Uncertain significance (1 of 4 stars; one submission).

Submission:

GeneDx
Classification: Uncertain significance. Last evaluated: 2026-09-27. Review status: criteria provided, single submitter. Criteria: GeneDx Variant Classification Process June 2021. Collection method: clinical testing. Allele origin: germline.
Comment: Canonical splice site variant predicted to result in a null allele in a gene for which loss of function is a known mechanism of disease; Has not been previously published as pathogenic or benign to our knowledge

NM_016148.5(SHANK1):c.1222+1G>A

Gene: SHANK1 (SH3 and multiple ankyrin repeat domains 1; minus strand). Cytogenetic location: 19q13.33.
Variant type: single nucleotide variant.
Coding change: c.1222+1G>A on transcript NM_016148.5 (MANE Select); the canonical splice donor site of the intron after coding-DNA position 1222, G replaced by A.
Molecular consequence: splice donor variant.
Genome position (GRCh38, 1-based): chr19:50,704,119, C>T on the plus strand (G>A on the coding strand, the complement: SHANK1 is on the minus strand). VCF-style: chr19-50704119-C-T. GRCh37 (hg19) VCF-style: chr19-51207376-C-T.
Identifiers: ClinVar variation 4532752 (VCV004532752.2).
Genomic context (GRCh38, chr19:50,704,119, plus strand): 5'-CCCACCATGAAACCTCAACCGCCCCAGGTTCTCTGTGCAGTCCGAGCTCCCTGTCACTCA[C>T]CCACATCCTGTTCTCGGTGGTTTCGGATCAGCTCCCCCAGCTCAAAATTCCCAGCAATCA-3'